The following is an entry in ClinVar:

ClinVar aggregate classification (germline): Uncertain significance. Review status: criteria provided, multiple submitters, no conflicts (2 of 4 stars). 2 submissions from 2 submitters: Uncertain significance (2). Last evaluated 2020-02-10.

Conditions:
Inborn genetic diseases. Identifiers: MedGen C0950123, MeSH D030342.
Charcot-Marie-Tooth disease type 4F. Also called: Charcot-Marie-Tooth disease, demyelinating, type 4F. Identifiers: Orphanet 99952, MedGen C3540453, MONDO:0013959, OMIM 614895.

Allele frequency attached by ClinVar (database versions not stated): TOPMed below 0.00001; gnomAD 0.00001.
gnomAD v4.1: 1 of 1,614,026 alleles (0.000062%); highest among the groups gnomAD compares: Non-Finnish European, 0.000085%; no homozygotes.

Submissions (2):

Ambry Genetics
Classification: Uncertain significance for Inborn genetic diseases. Last evaluated: 2020-02-10. Review status: criteria provided, single submitter. Criteria: Ambry Variant Classification Scheme 2023. Collection method: clinical testing. Allele origin: germline.
Comment: The p.A1074T variant (also known as c.3220G>A), located in coding exon 4 of the PRX gene, results from a G to A substitution at nucleotide position 3220. The alanine at codon 1074 is replaced by threonine, an amino acid with similar properties. This amino acid position is not well conserved in available vertebrate species. In addition, this alteration is predicted to be tolerated by in silico analysis. Since supporting evidence is limited at this time, the clinical significance of this alteration remains unclear.

Illumina Laboratory Services, Illumina
Classification: Uncertain significance for Charcot-Marie-Tooth disease type 4F. Last evaluated: 2018-01-13. Review status: criteria provided, single submitter. Criteria: ICSL Variant Classification Criteria 13 December 2019. Collection method: clinical testing. Allele origin: germline.

NM_181882.3(PRX):c.3220G>A (p.Ala1074Thr)

Gene: PRX (periaxin; minus strand). Cytogenetic location: 19q13.2.
Variant type: single nucleotide variant.
Coding change: c.3220G>A on transcript NM_181882.3 (MANE Select); coding-DNA position 3220, G replaced by A.
Protein change: p.Ala1074Thr; replaces alanine 1074 with threonine.
Molecular consequence: missense variant. On other transcripts: 3 prime UTR variant (1).
Genome position (GRCh38, 1-based): chr19:40,395,132, C>T on the plus strand (G>A on the coding strand, the complement: PRX is on the minus strand). VCF-style: chr19-40395132-C-T. GRCh37 (hg19) VCF-style: chr19-40901039-C-T.
Other names: c.*3425G>A (NM_020956.2); short protein forms A1074T.
Identifiers: ClinVar variation 329258 (VCV000329258.7), dbSNP rs886054436, ClinGen allele CA10642817.
Genomic context (GRCh38, chr19:40,395,132, plus strand): 5'-GCTGCACAGCGGTGGACTCAGCCTTTTCCCCCGGGCTGGCACGATCACCTTGAACTTCTG[C>T]TTCCTTCCCTCGAGCCAGCCCAAAGGAAGGCATCTTCAGCTTGGGCATCTTCACCCTCCC-3'
Protein context (NP_870998.2, residues 1064-1084): PSFGLARGKE[Ala1074Thr]EVQGDRASPG